The following is an entry in ClinVar:

NM_001904.4(CTNNB1):c.95A>C (p.Asp32Ala)

Genes: CTNNB1 (catenin beta 1; plus strand), LOC126806658 (BRD4-independent group 4 enhancer GRCh37_chr3:41265899-41267098; plus strand). Cytogenetic location: 3p22.1.
Variant type: single nucleotide variant.
Coding change: c.95A>C on transcript NM_001904.4 (MANE Select); coding-DNA position 95, A replaced by C.
Protein change: p.Asp32Ala; replaces aspartic acid 32 with alanine.
Molecular consequence: missense variant.
Genome position (GRCh38, 1-based): chr3:41,224,607, A>C. VCF-style: chr3-41224607-A-C. GRCh37 (hg19) VCF-style: chr3-41266098-A-C.
Other names: c.95A>C, p.Asp32Ala (NM_001098209.2, NM_001098210.2); c.74A>C, p.Asp25Ala (NM_001330729.2); short protein forms D32A, D25A.
Identifiers: ClinVar variation 4530128 (VCV004530128.1), dbSNP rs121913396.

ClinVar aggregate classification (somatic clinical impact): Tier I - Strong. Review status: criteria provided, single submitter (1 of 4 stars). 2 submissions from 1 submitter. Last evaluated 2025-05-19.

Conditions:
Embryonal rhabdomyosarcoma (ERMS). Also called: Botryoid rhabdomyosarcoma (type of ERMS); Spindle cell rhabdomyosarcomas (type of ERMS). Identifiers: Orphanet 99757, MedGen C0206656, MONDO:0009993, HP:0006743.
Medulloblastoma WNT activated. Identifiers: MedGen C4331965, MONDO:0850196.

Submissions (2):

Institute for Genomic Medicine (IGM) Clinical Laboratory, Nationwide Children's Hospital
Classification: Tier I - Strong for Medulloblastoma WNT activated. Assertion type: diagnostic. Clinical significance: supports diagnosis. Last evaluated: 2025-05-19. Review status: criteria provided, single submitter. Criteria: AMP/ASCO/CAP Guidelines, 2017. Collection method: clinical testing. Allele origin: somatic. Affected: yes.
Comment: Variant has Tier I (strong) clinical significance as a diagnostic inclusion criterion in medulloblastoma WNT activated, based on the following evidence: 1) Documented in one or more cancer databases (e.g., St. Jude Pecan, COSMIC, CIViC, OncoKB). 2) Appears in one or more well-established professional guidelines (e.g., World Health Organization [WHO]; National Comprehensive Cancer Network [NCCN]) as providing diagnostic, prognostic, or therapeutic information. 3) Information in the literature supports potential biologic effect of variant (PMID: 29435196). 4) Diagnostic for a specific tumor type/classification according to professional guidelines (Evidence Level A; PMIDs: 28726821, 21163964, 22832581, 22832583, 22722829, 22820256).

Institute for Genomic Medicine (IGM) Clinical Laboratory, Nationwide Children's Hospital
Classification: Tier I - Strong for Embryonal rhabdomyosarcoma. Assertion type: diagnostic. Clinical significance: supports diagnosis. Last evaluated: 2022-09-05. Review status: criteria provided, single submitter. Criteria: AMP/ASCO/CAP Guidelines, 2017. Collection method: clinical testing. Allele origin: somatic. Affected: yes.
Comment: Variant has Tier I (strong) clinical significance as a diagnostic inclusion criterion in embryonal rhabdomyosarcoma, based on the following evidence: 1) Documented in one or more cancer databases (e.g., St. Jude Pecan, COSMIC, CIViC, OncoKB). 2) Appears in one or more well-established professional guidelines (e.g., World Health Organization [WHO]; National Comprehensive Cancer Network [NCCN]) as providing diagnostic, prognostic, or therapeutic information. 3) Information in the literature supports potential biologic effect of variant (PMID: 29435196). 4) Diagnostic for a specific tumor type/classification based on well-powered studies with expert-level consensus (Evidence Level B; PMIDs: 34166060, 24436047, 24332040, 22142829).

Literature cited by the submitters: PubMed 29435196; PubMed 28726821; PubMed 21163964; PubMed 22832581; PubMed 22832583; PubMed 22722829; PubMed 22820256; PubMed 34166060; PubMed 24436047; PubMed 24332040; PubMed 22142829.